The following is an entry in ClinVar:

ClinVar aggregate classification (germline): Likely pathogenic (1 of 4 stars; one submission).

Submission:

Dasa
Classification: Likely pathogenic. Last evaluated: 2024-10-17. Review status: criteria provided, single submitter. Criteria: DASA Assertion Criteria. Collection method: clinical testing. Allele origin: germline.
Comment: NM_014991.6(WDFY3):c.3841dup (p.Thr1281Asnfs*5) is a frameshift variant in WDFY3 predicted to alter the reading frame and introduce a premature termination codon and is predicted to result in an absent or altered protein product. Loss of function is an established disease mechanism for WDFY3 (PMID: 31327001; PMID: 27824329; PMID: 30564305). Published studies describe this variant in association with related phenotype (PMID: 31327001; PMID: 27824329). Also, this variant is absent from population databases. Based on the currently available evidence, this variant is classified as likely pathogenic.

Literature cited by the submitters: PubMed 31327001; PubMed 27824329; PubMed 30564305.

NM_014991.6(WDFY3):c.3841dup (p.Thr1281fs)

Gene: WDFY3 (WD repeat and FYVE domain containing 3; minus strand). Cytogenetic location: 4q21.23.
Variant type: Duplication.
Coding change: c.3841dup on transcript NM_014991.6 (MANE Select); coding-DNA position 3841, one base duplicated (A; older notation c.3841dupA).
Protein change: p.Thr1281fs; shifts the reading frame from threonine 1281.
Molecular consequence: frameshift variant.
Genome position (GRCh38, 1-based): chr4:84,787,542, T duplicated on the plus strand (A on the coding strand, the reverse complement: WDFY3 is on the minus strand). VCF-style (leftmost placement, unchanged base first): chr4-84787541-G-GT. GRCh37 (hg19) VCF-style: chr4-85708694-G-GT.
Other names: short protein forms T1281fs.
Identifiers: ClinVar variation 4884237 (VCV004884237.2).